The following is an entry in ClinVar:

ClinVar aggregate classification (germline): Uncertain significance (1 of 4 stars; one submission).

Submission:

Labcorp Genetics (formerly Invitae), Labcorp
Classification: Uncertain significance. Last evaluated: 2023-09-10. Review status: criteria provided, single submitter. Criteria: Invitae Variant Classification Sherloc (09022015). Collection method: clinical testing. Allele origin: germline.
Comment: This sequence change replaces phenylalanine, which is neutral and non-polar, with leucine, which is neutral and non-polar, at codon 1878 of the VCAN protein (p.Phe1878Leu). In summary, the available evidence is currently insufficient to determine the role of this variant in disease. Therefore, it has been classified as a Variant of Uncertain Significance. Algorithms developed to predict the effect of missense changes on protein structure and function output the following: SIFT: "Not Available"; PolyPhen-2: "Benign"; Align-GVGD: "Not Available". The leucine amino acid residue is found in multiple mammalian species, which suggests that this missense change does not adversely affect protein function. This variant has not been reported in the literature in individuals affected with VCAN-related conditions. This variant is not present in population databases (gnomAD no frequency).

NM_004385.5(VCAN):c.5634C>A (p.Phe1878Leu)

Genes: VCAN (versican; plus strand), VCAN-AS1 (VCAN antisense RNA 1; minus strand). Cytogenetic location: 5q14.3.
Variant type: single nucleotide variant.
Coding change: c.5634C>A on transcript NM_004385.5 (MANE Select); coding-DNA position 5634, C replaced by A.
Protein change: p.Phe1878Leu; replaces phenylalanine 1878 with leucine.
Molecular consequence: missense variant. On other transcripts: intron variant (2).
Genome position (GRCh38, 1-based): chr5:83,538,637, C>A. VCF-style: chr5-83538637-C-A. GRCh37 (hg19) VCF-style: chr5-82834456-C-A.
Other names: c.2673C>A, p.Phe891Leu (NM_001164097.2); c.4004-6900C>A (NM_001164098.2); c.1043-6900C>A (NM_001126336.3); short protein forms F1878L, F891L.
Identifiers: ClinVar variation 2759739 (VCV002759739.3), dbSNP rs2479109431, ClinGen allele CA360310822.